The following is an entry in ClinVar:

NM_005219.5(DIAPH1):c.670T>C (p.Phe224Leu)

Gene: DIAPH1 (diaphanous related formin 1; minus strand). Cytogenetic location: 5q31.3.
Variant type: single nucleotide variant.
Coding change: c.670T>C on transcript NM_005219.5 (MANE Select); coding-DNA position 670, T replaced by C.
Protein change: p.Phe224Leu; replaces phenylalanine 224 with leucine.
Molecular consequence: missense variant.
Genome position (GRCh38, 1-based): chr5:141,582,326, A>G on the plus strand (T>C on the coding strand, the complement: DIAPH1 is on the minus strand). VCF-style: chr5-141582326-A-G. GRCh37 (hg19) VCF-style: chr5-140961893-A-G.
Other names: c.643T>C, p.Phe215Leu (NM_001079812.3); c.670T>C, p.Phe224Leu (NM_001314007.2); short protein forms F215L, F224L.
Identifiers: ClinVar variation 1482936 (VCV001482936.8), dbSNP rs2154596559, ClinGen allele CA361539574.

ClinVar aggregate classification (germline): Uncertain significance (1 of 4 stars; one submission).

Conditions:
Autosomal dominant nonsyndromic hearing loss 1. Also called: DEAFNESS, AUTOSOMAL DOMINANT 1, WITH OR WITHOUT THROMBOCYTOPENIA; KONIGSMARK SYNDROME. Identifiers: Orphanet 90635, MedGen C1852282, MONDO:0007424, OMIM 124900.
Progressive microcephaly-seizures-cortical blindness-developmental delay syndrome. Also called: Seizures, cortical blindness, and microcephaly syndrome. Identifiers: Orphanet 477814, MedGen C5567650, MONDO:0014714, OMIM 616632.

Submission:

Labcorp Genetics (formerly Invitae), Labcorp
Classification: Uncertain significance for Progressive microcephaly-seizures-cortical blindness-developmental delay syndrome; Autosomal dominant nonsyndromic hearing loss 1. Last evaluated: 2020-11-10. Review status: criteria provided, single submitter. Criteria: Invitae Variant Classification Sherloc (09022015). Collection method: clinical testing. Allele origin: germline.
Comment: This sequence change replaces phenylalanine with leucine at codon 224 of the DIAPH1 protein (p.Phe224Leu). The phenylalanine residue is moderately conserved and there is a small physicochemical difference between phenylalanine and leucine. This variant is not present in population databases (ExAC no frequency). This variant has not been reported in the literature in individuals with DIAPH1-related conditions. Algorithms developed to predict the effect of missense changes on protein structure and function are either unavailable or do not agree on the potential impact of this missense change (SIFT: "Tolerated"; PolyPhen-2: "Not Available"; Align-GVGD: "Class C0"). In summary, the available evidence is currently insufficient to determine the role of this variant in disease. Therefore, it has been classified as a Variant of Uncertain Significance.